The following is an entry in ClinVar:

ClinVar aggregate classification (germline): Uncertain significance (1 of 4 stars; one submission).

Submission:

GeneDx
Classification: Uncertain significance. Last evaluated: 2024-04-09. Review status: criteria provided, single submitter. Criteria: GeneDx Variant Classification Process June 2021. Collection method: clinical testing. Allele origin: germline. Affected: yes.
Comment: Not observed at significant frequency in large population cohorts (gnomAD); In silico analysis supports that this missense variant has a deleterious effect on protein structure/function; Has not been previously published as pathogenic or benign to our knowledge

NM_001135651.3(EIF2AK2):c.1430T>A (p.Ile477Asn)

Gene: EIF2AK2 (eukaryotic translation initiation factor 2 alpha kinase 2; minus strand). Cytogenetic location: 2p22.2.
Variant type: single nucleotide variant.
Coding change: c.1430T>A on transcript NM_001135651.3 (MANE Select); coding-DNA position 1430, T replaced by A.
Protein change: p.Ile477Asn; replaces isoleucine 477 with asparagine.
Molecular consequence: missense variant.
Genome position (GRCh38, 1-based): chr2:37,109,243, A>T on the plus strand (T>A on the coding strand, the complement: EIF2AK2 is on the minus strand). VCF-style: chr2-37109243-A-T. GRCh37 (hg19) VCF-style: chr2-37336386-A-T.
Other names: c.1307T>A, p.Ile436Asn (NM_001135652.3); c.1430T>A, p.Ile477Asn (NM_002759.4); short protein forms I436N, I477N.
Identifiers: ClinVar variation 3371294 (VCV003371294.1).